The following is an entry in ClinVar:

ClinVar aggregate classification (germline): Uncertain significance (1 of 4 stars; one submission).

Allele frequency attached by ClinVar (database versions not stated): TOPMed 0.00001; ExAC 0.00003.
gnomAD v4.1: 3 of 1,613,742 alleles (0.00019%); highest among the groups gnomAD compares: East Asian, 0.0045%; no homozygotes.

Submission:

Labcorp Genetics (formerly Invitae), Labcorp
Classification: Uncertain significance. Last evaluated: 2021-12-08. Review status: criteria provided, single submitter. Criteria: Invitae Variant Classification Sherloc (09022015). Collection method: clinical testing. Allele origin: germline.
Comment: In summary, the available evidence is currently insufficient to determine the role of this variant in disease. Therefore, it has been classified as a Variant of Uncertain Significance. This sequence change replaces proline, which is neutral and non-polar, with leucine, which is neutral and non-polar, at codon 93 of the GPR179 protein (p.Pro93Leu). This variant is present in population databases (rs768395934, gnomAD 0.01%). This variant has not been reported in the literature in individuals affected with GPR179-related conditions. Algorithms developed to predict the effect of missense changes on protein structure and function are either unavailable or do not agree on the potential impact of this missense change (SIFT: "Deleterious"; PolyPhen-2: "Benign"; Align-GVGD: "Class C0").

NM_001004334.4(GPR179):c.278C>T (p.Pro93Leu)

Gene: GPR179 (G protein-coupled receptor 179; minus strand). Cytogenetic location: 17q12.
Variant type: single nucleotide variant.
Coding change: c.278C>T on transcript NM_001004334.4 (MANE Select); coding-DNA position 278, C replaced by T.
Protein change: p.Pro93Leu; replaces proline 93 with leucine.
Molecular consequence: missense variant.
Genome position (GRCh38, 1-based): chr17:38,343,512, G>A on the plus strand (C>T on the coding strand, the complement: GPR179 is on the minus strand). VCF-style: chr17-38343512-G-A. GRCh37 (hg19) VCF-style: chr17-36499395-G-A.
Other names: short protein forms P93L.
Identifiers: ClinVar variation 1970386 (VCV001970386.5), dbSNP rs768395934, ClinGen allele CA290111773.
Genomic context (GRCh38, chr17:38,343,512, plus strand): 5'-AGCAGCATGTTGAGAAAATTGGCGGCCTGGGCAAGGGTGCCCGCTGCCCCCTGTAGGCTT[G>A]GGGGGAGCCCTGGCATGGCTCCTGCCCCACGCGCTTCATAGCGCTCACTGCAATTCACCT-3'
Protein context (NP_001004334.3, residues 83-103): RGAGAMPGLP[Pro93Leu]SLQGAAGTLA